The following is an entry in ClinVar:

NM_002439.5(MSH3):c.2056T>G (p.Leu686Val)

Gene: MSH3 (mutS homolog 3; plus strand). Cytogenetic location: 5q14.1.
Variant type: single nucleotide variant.
Coding change: c.2056T>G on transcript NM_002439.5 (MANE Select); coding-DNA position 2056, T replaced by G.
Protein change: p.Leu686Val; replaces leucine 686 with valine.
Molecular consequence: missense variant.
Genome position (GRCh38, 1-based): chr5:80,768,092, T>G. VCF-style: chr5-80768092-T-G. GRCh37 (hg19) VCF-style: chr5-80063911-T-G.
Other names: short protein forms L686V.
Identifiers: ClinVar variation 861558 (VCV000861558.9), dbSNP rs1744154587, ClinGen allele CA360277907.

ClinVar aggregate classification (germline): Uncertain significance (1 of 4 stars; one submission).

Submission:

Labcorp Genetics (formerly Invitae), Labcorp
Classification: Uncertain significance. Last evaluated: 2019-06-04. Review status: criteria provided, single submitter. Criteria: Invitae Variant Classification Sherloc (09022015). Collection method: clinical testing. Allele origin: germline.
Comment: In summary, the available evidence is currently insufficient to determine the role of this variant in disease. Therefore, it has been classified as a Variant of Uncertain Significance. Algorithms developed to predict the effect of missense changes on protein structure and function output the following: SIFT: "Deleterious"; PolyPhen-2: "Possibly Damaging"; Align-GVGD: "Class C0". The valine amino acid residue is found in multiple mammalian species, suggesting that this missense change does not adversely affect protein function. These predictions have not been confirmed by published functional studies and their clinical significance is uncertain. This variant has not been reported in the literature in individuals with MSH3-related conditions. This variant is not present in population databases (ExAC no frequency). This sequence change replaces leucine with valine at codon 686 of the MSH3 protein (p.Leu686Val). The leucine residue is moderately conserved and there is a small physicochemical difference between leucine and valine.